The following is an entry in ClinVar:

NM_014249.4(NR2E3):c.1175G>A (p.Arg392His)

Gene: NR2E3 (nuclear receptor subfamily 2 group E member 3; plus strand). Cytogenetic location: 15q23.
Variant type: single nucleotide variant.
Coding change: c.1175G>A on transcript NM_014249.4 (MANE Select); coding-DNA position 1175, G replaced by A.
Protein change: p.Arg392His; replaces arginine 392 with histidine.
Molecular consequence: missense variant.
Genome position (GRCh38, 1-based): chr15:71,817,626, G>A. VCF-style: chr15-71817626-G-A. GRCh37 (hg19) VCF-style: chr15-72109967-G-A.
Other names: short protein forms R392H.
Identifiers: ClinVar variation 989839 (VCV000989839.6), dbSNP rs765705755, ClinGen allele CA7640539.
Genomic context (GRCh38, chr15:71,817,626, plus strand): 5'-TCCTGCTCCTCCCGTCTTTGAGGTTTATCACTGCGGAACGCATCGAGCTCCTCTTTTTCC[G>A]CAAGACCATAGGGAATACTCCAATGGAGAAGCTCCTTTGTGATATGTTCAAAAACTAGTG-3'
Protein context (NP_055064.1, residues 382-402): TAERIELLFF[Arg392His]KTIGNTPMEK

ClinVar aggregate classification (germline): Uncertain significance. Review status: criteria provided, multiple submitters, no conflicts (2 of 4 stars). 3 submissions from 3 submitters: Uncertain significance (2). 1 of the submissions does not count toward it. Last evaluated 2024-02-16.

Conditions:
Goldmann-Favre syndrome. Identifiers: Orphanet 53540, MedGen C0339541, MONDO:0100289.

Allele frequency attached by ClinVar (database versions not stated): TOPMed below 0.00001; ExAC 0.00001; gnomAD 0.00001 and 0.00002; gnomAD exomes 0.00001.

Submissions (3):

Labcorp Genetics (formerly Invitae), Labcorp
Classification: Uncertain significance. Last evaluated: 2024-02-16. Review status: criteria provided, single submitter. Criteria: Invitae Variant Classification Sherloc (09022015). Collection method: clinical testing. Allele origin: germline.
Comment: This sequence change replaces arginine, which is basic and polar, with histidine, which is basic and polar, at codon 392 of the NR2E3 protein (p.Arg392His). This variant is present in population databases (rs765705755, gnomAD 0.003%). This missense change has been observed in individual(s) with retinitis pigmentosa (Invitae). ClinVar contains an entry for this variant (Variation ID: 989839). Advanced modeling of protein sequence and biophysical properties (such as structural, functional, and spatial information, amino acid conservation, physicochemical variation, residue mobility, and thermodynamic stability) performed at Invitae indicates that this missense variant is not expected to disrupt NR2E3 protein function with a negative predictive value of 80%. In summary, the available evidence is currently insufficient to determine the role of this variant in disease. Therefore, it has been classified as a Variant of Uncertain Significance.

Blueprint Genetics
Classification: Uncertain significance. Last evaluated: 2023-05-02. Review status: criteria provided, single submitter. Criteria: ACMG Guidelines, 2015. Collection method: clinical testing. Allele origin: germline.

Natera, Inc.
Classification: Uncertain significance for Goldmann-Favre syndrome. Last evaluated: 2020-09-08. Review status: no assertion criteria provided. Collection method: clinical testing. Allele origin: germline. Not counted in ClinVar's aggregate classification.